The following is an entry in ClinVar:

ClinVar aggregate classification (germline): Conflicting classifications of pathogenicity. Review status: criteria provided, conflicting classifications (1 of 4 stars). 5 submissions from 5 submitters: Uncertain significance (2); Likely benign (2). 1 of the submissions does not count toward it. Last evaluated 2026-01-06.

Conditions:
Dyskeratosis congenita. Identifiers: Orphanet 1775, MedGen C0265965, MONDO:0015780.
DKC1-related disorder. Also called: DKC1-related condition. Identifiers: MedGen CN294808, MONDO:0100152.

Allele frequency attached by ClinVar (database versions not stated): gnomAD 0.00004; TOPMed 0.00004; gnomAD exomes 0.00009 and 0.00011; ExAC 0.00013; ESP Exome Variant Server 0.00028.
gnomAD v4.1: 128 of 1,191,596 alleles (0.011%); highest among the groups gnomAD compares: Non-Finnish European, 0.013%; no homozygotes.

Submissions (5):

Labcorp Genetics (formerly Invitae), Labcorp
Classification: Uncertain significance for Dyskeratosis congenita. Last evaluated: 2026-01-06. Review status: criteria provided, single submitter. Criteria: Invitae Variant Classification Sherloc (09022015). Collection method: clinical testing. Allele origin: germline.
Comment: This sequence change affects codon 28 of the DKC1 mRNA. It is a 'silent' change, meaning that it does not change the encoded amino acid sequence of the DKC1 protein. It affects a nucleotide within the consensus splice site. This variant is present in population databases (rs142474971, gnomAD 0.02%). This variant has not been reported in the literature in individuals affected with DKC1-related conditions. ClinVar contains an entry for this variant (Variation ID: 1026304). Algorithms developed to predict the effect of sequence changes on RNA splicing suggest that this variant is not likely to affect RNA splicing. In summary, the available evidence is currently insufficient to determine the role of this variant in disease. Therefore, it has been classified as a Variant of Uncertain Significance.

Women's Health and Genetics/Laboratory Corporation of America, LabCorp
Classification: Uncertain significance. Last evaluated: 2025-02-05. Review status: criteria provided, single submitter. Criteria: LabCorp Variant Classification Summary - May 2015. Collection method: clinical testing. Allele origin: germline.
Comment: Variant summary: DKC1 c.84C>T (p.Ala28Ala) alters a non-conserved nucleotide located close to a canonical splice site and therefore could affect mRNA splicing, leading to a significantly altered protein sequence. Consensus agreement among computation tools predict no significant impact on normal splicing. However, these predictions have yet to be confirmed by functional studies. The variant allele was found at a frequency of 8.7e-05 in 183422 control chromosomes (gnomAD). This frequency is not significantly higher than estimated for a pathogenic variant in DKC1 causing Dyskeratosis Congenita, X-Linked, allowing no conclusion about variant significance. To our knowledge, no occurrence of c.84C>T in individuals affected with Dyskeratosis Congenita, X-Linked and no experimental evidence demonstrating its impact on protein function have been reported. ClinVar contains an entry for this variant (Variation ID: 1026304). Based on the evidence outlined above, the variant was classified as uncertain significance.

Blueprint Genetics
Classification: Likely benign. Last evaluated: 2022-11-09. Review status: criteria provided, single submitter. Criteria: ACMG Guidelines, 2015. Collection method: clinical testing. Allele origin: germline.

CeGaT Center for Human Genetics Tuebingen
Classification: Likely benign. Last evaluated: 2022-05-01. Review status: criteria provided, single submitter. Criteria: CeGaT Center For Human Genetics Tuebingen Variant Classification Criteria Version 2. Collection method: clinical testing. Allele origin: germline. Affected: yes. Observed: 1 variant allele.
Comment: DKC1: BP4, BP7

PreventionGenetics, part of Exact Sciences
Classification: Likely benign for DKC1-related condition. Last evaluated: 2020-04-01. Review status: no assertion criteria provided. Collection method: clinical testing. Allele origin: germline. Not counted in ClinVar's aggregate classification.
Comment: This variant is classified as likely benign based on ACMG/AMP sequence variant interpretation guidelines (Richards et al. 2015 PMID: 25741868, with internal and published modifications).

NM_001363.5(DKC1):c.84C>T (p.Ala28=)

Gene: DKC1 (dyskerin pseudouridine synthase 1; plus strand). Cytogenetic location: Xq28.
Variant type: single nucleotide variant.
Coding change: c.84C>T on transcript NM_001363.5 (MANE Select); coding-DNA position 84, C replaced by T.
Protein change: p.Ala28=; no amino-acid change (alanine 28 retained).
Molecular consequence: synonymous variant. On other transcripts: non-coding transcript variant (3).
Genome position (GRCh38, 1-based): chrX:154,764,966, C>T. VCF-style: chrX-154764966-C-T. GRCh37 (hg19) VCF-style: chrX-153993241-C-T.
Other names: c.84C>T, p.Ala28= (NM_001142463.3, NM_001288747.2); c.84C>T (NM_001363.4).
Identifiers: ClinVar variation 1026304 (VCV001026304.34), dbSNP rs142474971, ClinGen allele CA10566960.